The following is an entry in ClinVar:

NM_001035.3(RYR2):c.11484G>T (p.Lys3828Asn)

Gene: RYR2 (ryanodine receptor 2; plus strand). Cytogenetic location: 1q43.
Variant type: single nucleotide variant.
Coding change: c.11484G>T on transcript NM_001035.3 (MANE Select); coding-DNA position 11484, G replaced by T.
Protein change: p.Lys3828Asn; replaces lysine 3828 with asparagine.
Molecular consequence: missense variant.
Genome position (GRCh38, 1-based): chr1:237,770,814, G>T. VCF-style: chr1-237770814-G-T. GRCh37 (hg19) VCF-style: chr1-237934114-G-T.
Other names: short protein forms K3828N.
Identifiers: ClinVar variation 1331413 (VCV001331413.7), dbSNP rs1200279072, ClinGen allele CA345406611.

ClinVar aggregate classification (germline): Uncertain significance. Review status: criteria provided, multiple submitters, no conflicts (2 of 4 stars). 3 submissions from 3 submitters: Uncertain significance (3). Last evaluated 2024-10-29.

Conditions:
Catecholaminergic polymorphic ventricular tachycardia (CVPT). Also called: Catecholamine-induced polymorphic ventricular tachycardia. Identifiers: Orphanet 3286, MedGen C5574922, MONDO:0017990.
Catecholaminergic polymorphic ventricular tachycardia 1. Also called: VENTRICULAR TACHYCARDIA, CATECHOLAMINERGIC POLYMORPHIC, 1, WITH OR WITHOUT ATRIAL DYSFUNCTION AND/OR DILATED CARDIOMYOPATHY; VENTRICULAR TACHYCARDIA, STRESS-INDUCED POLYMORPHIC 1; RYR2-Related Catecholaminergic Polymorphic Ventricular Tachycardia. Identifiers: Orphanet 3286, MedGen C1631597, MONDO:0011484, OMIM 604772.

Allele frequency attached by ClinVar (database versions not stated): gnomAD exomes below 0.00001 and 0.00001.
gnomAD v4.1: 2 of 1,551,854 alleles (0.00013%); highest among the groups gnomAD compares: Admixed American, 0.0039%; no homozygotes.

Submissions (3):

Labcorp Genetics (formerly Invitae), Labcorp
Classification: Uncertain significance for Catecholaminergic polymorphic ventricular tachycardia 1. Last evaluated: 2024-10-29. Review status: criteria provided, single submitter. Criteria: Invitae Variant Classification Sherloc (09022015). Collection method: clinical testing. Allele origin: germline.
Comment: This sequence change replaces lysine, which is basic and polar, with asparagine, which is neutral and polar, at codon 3828 of the RYR2 protein (p.Lys3828Asn). The frequency data for this variant in the population databases is considered unreliable, as metrics indicate poor data quality at this position in the gnomAD database. This variant has not been reported in the literature in individuals affected with RYR2-related conditions. ClinVar contains an entry for this variant (Variation ID: 1331413). Invitae Evidence Modeling of protein sequence and biophysical properties (such as structural, functional, and spatial information, amino acid conservation, physicochemical variation, residue mobility, and thermodynamic stability) indicates that this missense variant is expected to disrupt RYR2 protein function with a positive predictive value of 95%. In summary, the available evidence is currently insufficient to determine the role of this variant in disease. Therefore, it has been classified as a Variant of Uncertain Significance.

All of Us Research Program, National Institutes of Health
Classification: Uncertain significance for Catecholaminergic polymorphic ventricular tachycardia. Last evaluated: 2024-08-06. Review status: criteria provided, single submitter. Criteria: ACMG Guidelines, 2015. Collection method: clinical testing. Allele origin: germline. Inheritance: Autosomal dominant inheritance. Observed: 3 variant alleles, 3 heterozygotes.
Comment: This missense variant replaces lysine with asparagine at codon 3828 of the RYR2 protein. Computational prediction suggests that this variant may have deleterious impact on protein structure and function (internally defined REVEL score threshold >= 0.7, PMID: 27666373). To our knowledge, functional studies have not been reported for this variant. This variant has not been reported in individuals affected with RYR2-related disorders in the literature. This variant has been identified in 2/162304 chromosomes in the general population by the Genome Aggregation Database (gnomAD). The available evidence is insufficient to determine the role of this variant in disease conclusively. Therefore, this variant is classified as a Variant of Uncertain Significance.

This study involves interpretation of variants in research participants for the purpose of population health screening. Participant phenotype was not available at the time of variant classification. Additional details can be found in publication PMID: 35346344, PMCID: PMC8962531

Women's Health and Genetics/Laboratory Corporation of America, LabCorp
Classification: Uncertain significance. Last evaluated: 2021-12-15. Review status: criteria provided, single submitter. Criteria: LabCorp Variant Classification Summary - May 2015. Collection method: clinical testing. Allele origin: germline.
Comment: Variant summary: RYR2 c.11484G>T (p.Lys3828Asn) results in a non-conservative amino acid change in the encoded protein sequence. Five of five in-silico tools predict a damaging effect of the variant on protein function. The variant allele was found at a frequency of 1.2e-05 in 162304 control chromosomes (gnomAD). The available data on variant occurrences in the general population are insufficient to allow any conclusion about variant significance. c.11484G>T has been observed in atleast one individual affected with Catecholaminergic Polymorphic Ventricular Tachycardia without evidence for causality (example: Landstrom_2017). To our knowledge no experimental evidence demonstrating its impact on protein function have been reported. No clinical diagnostic laboratories have submitted clinical-significance assessments for this variant to ClinVar after 2014. Based on the evidence outlined above, the variant was classified as uncertain significance.

Literature cited by the submitters: PubMed 28404607 (cited by Women's Health and Genetics/Laboratory Corporation of America, LabCorp).